The following is an entry in ClinVar:

NM_002439.5(MSH3):c.748G>A (p.Val250Met)

Gene: MSH3 (mutS homolog 3; plus strand). Cytogenetic location: 5q14.1.
Variant type: single nucleotide variant.
Coding change: c.748G>A on transcript NM_002439.5 (MANE Select); coding-DNA position 748, G replaced by A.
Protein change: p.Val250Met; replaces valine 250 with methionine.
Molecular consequence: missense variant.
Genome position (GRCh38, 1-based): chr5:80,670,265, G>A. VCF-style: chr5-80670265-G-A. GRCh37 (hg19) VCF-style: chr5-79966084-G-A.
Other names: c.748G>A (NM_002439.3); short protein forms V250M.
Identifiers: ClinVar variation 2169669 (VCV002169669.7), dbSNP rs762864714, ClinGen allele CA3327692.

ClinVar aggregate classification (germline): Uncertain significance. Review status: criteria provided, multiple submitters, no conflicts (2 of 4 stars). 2 submissions from 2 submitters: Uncertain significance (2). Last evaluated 2025-11-24.

Conditions:
Hereditary cancer-predisposing syndrome. Also called: Hereditary neoplastic syndrome; Neoplastic Syndromes, Hereditary; Hereditary Cancer Syndrome; Tumor predisposition. Identifiers: Orphanet 140162, MedGen C0027672, MeSH D009386, MONDO:0015356.

Allele frequency attached by ClinVar (database versions not stated): gnomAD 0.00001; gnomAD exomes 0.00003; ExAC 0.00007.
gnomAD v4.1: 42 of 1,614,014 alleles (0.0026%); highest among the groups gnomAD compares: South Asian, 0.044%; 2 homozygotes.

Submissions (2):

Ambry Genetics
Classification: Uncertain significance for Hereditary cancer-predisposing syndrome. Last evaluated: 2025-11-24. Review status: criteria provided, single submitter. Criteria: Ambry Variant Classification Scheme 2023. Collection method: clinical testing. Allele origin: germline.
Comment: The p.V250M variant (also known as c.748G>A), located in coding exon 4 of the MSH3 gene, results from a G to A substitution at nucleotide position 748. The valine at codon 250 is replaced by methionine, an amino acid with highly similar properties. This amino acid position is well conserved in available vertebrate species. In addition, the in silico prediction for this alteration is inconclusive. Since supporting evidence is limited at this time, the clinical significance of this alteration remains unclear.

Labcorp Genetics (formerly Invitae), Labcorp
Classification: Uncertain significance. Last evaluated: 2024-12-26. Review status: criteria provided, single submitter. Criteria: Invitae Variant Classification Sherloc (09022015). Collection method: clinical testing. Allele origin: germline.
Comment: This sequence change replaces valine, which is neutral and non-polar, with methionine, which is neutral and non-polar, at codon 250 of the MSH3 protein (p.Val250Met). This variant is present in population databases (rs762864714, gnomAD 0.04%). This variant has not been reported in the literature in individuals affected with MSH3-related conditions. ClinVar contains an entry for this variant (Variation ID: 2169669). An algorithm developed to predict the effect of missense changes on protein structure and function (PolyPhen-2) suggests that this variant is likely to be disruptive. In summary, the available evidence is currently insufficient to determine the role of this variant in disease. Therefore, it has been classified as a Variant of Uncertain Significance.